The following is an entry in ClinVar:

NM_015412.4(RMP64):c.893A>G (p.Lys298Arg)

Gene: RMP64 (ribonuclease MRP subunit p64; minus strand). Cytogenetic location: 3q13.2.
Variant type: single nucleotide variant.
Coding change: c.893A>G on transcript NM_015412.4 (MANE Select); coding-DNA position 893, A replaced by G.
Protein change: p.Lys298Arg; replaces lysine 298 with arginine.
Molecular consequence: missense variant. On other transcripts: non-coding transcript variant (1).
Genome position (GRCh38, 1-based): chr3:113,011,065, T>C on the plus strand (A>G on the coding strand, the complement: RMP64 is on the minus strand). VCF-style: chr3-113011065-T-C. GRCh37 (hg19) VCF-style: chr3-112729912-T-C.
Other names: c.683A>G, p.Lys228Arg (NM_001319109.2); c.392A>G, p.Lys131Arg (NM_001319110.2); c.284A>G, p.Lys95Arg (NM_001319111.2); c.560A>G, p.Lys187Arg (NM_001319112.2); c.485A>G, p.Lys162Arg (NM_001319114.2); c.602A>G, p.Lys201Arg (NM_001319115.2); short protein forms K131R, K162R, K228R, K298R, K187R, K201R, K95R.
Identifiers: ClinVar variation 4977814 (VCV004977814.1).

ClinVar aggregate classification (germline): Uncertain significance (1 of 4 stars; one submission).

Conditions:
RMP64-related condition.

gnomAD v4.1: 76 of 1,601,254 alleles (0.0047%); highest among the groups gnomAD compares: Non-Finnish European, 0.006%; no homozygotes.

Submission:

PreventionGenetics, part of Exact Sciences
Classification: Uncertain significance for RMP64-related condition. Last evaluated: 2024-11-19. Review status: criteria provided, single submitter. Criteria: ACMG Guidelines, 2015. Collection method: clinical testing. Allele origin: germline.
Comment: The RMP64 c.893A>G variant is predicted to result in the amino acid substitution p.Lys298Arg. To our knowledge, this variant has not been reported in the literature. This variant is reported in 0.0024% of alleles in individuals of European (Non-Finnish) descent in gnomAD. At this time, the clinical significance of this variant is uncertain due to the absence of conclusive functional and genetic evidence.